The following is an entry in ClinVar:

NM_002691.4(POLD1):c.2750G>A (p.Ser917Asn)

Gene: POLD1 (DNA polymerase delta 1, catalytic subunit; plus strand). Cytogenetic location: 19q13.33.
Variant type: single nucleotide variant.
Coding change: c.2750G>A on transcript NM_002691.4 (MANE Select); coding-DNA position 2750, G replaced by A.
Protein change: p.Ser917Asn; replaces serine 917 with asparagine.
Molecular consequence: missense variant.
Genome position (GRCh38, 1-based): chr19:50,415,756, G>A. VCF-style: chr19-50415756-G-A. GRCh37 (hg19) VCF-style: chr19-50919013-G-A.
Other names: c.2750G>A, p.Ser917Asn (NM_001256849.1); c.2828G>A, p.Ser943Asn (NM_001308632.1); short protein forms S917N, S943N.
Identifiers: ClinVar variation 847526 (VCV000847526.9), dbSNP rs2039261843, ClinGen allele CA406985907.

ClinVar aggregate classification (germline): Uncertain significance (1 of 4 stars; one submission).

Conditions:
POLD1-related polyposis and colorectal cancer syndrome (CRCS10). Also called: Colorectal cancer 10; COLORECTAL CANCER, SUSCEPTIBILITY TO, ON CHROMOSOME 19q; Colorectal cancer, susceptibility to, 10. Identifiers: Orphanet 220460, MedGen C2675481, MONDO:0012953, OMIM 612591.

gnomAD v4.1: 2 of 1,403,290 alleles (0.00014%); highest among the groups gnomAD compares: East Asian, 0.0035%; no homozygotes.

Submission:

Labcorp Genetics (formerly Invitae), Labcorp
Classification: Uncertain significance for POLD1-related polyposis and colorectal cancer syndrome. Last evaluated: 2022-09-19. Review status: criteria provided, single submitter. Criteria: Invitae Variant Classification Sherloc (09022015). Collection method: clinical testing. Allele origin: germline.
Comment: In summary, the available evidence is currently insufficient to determine the role of this variant in disease. Therefore, it has been classified as a Variant of Uncertain Significance. Advanced modeling of protein sequence and biophysical properties (such as structural, functional, and spatial information, amino acid conservation, physicochemical variation, residue mobility, and thermodynamic stability) performed at Invitae indicates that this missense variant is not expected to disrupt POLD1 protein function. ClinVar contains an entry for this variant (Variation ID: 847526). This variant has not been reported in the literature in individuals affected with POLD1-related conditions. This variant is not present in population databases (gnomAD no frequency). This sequence change replaces serine, which is neutral and polar, with asparagine, which is neutral and polar, at codon 917 of the POLD1 protein (p.Ser917Asn).